The following is an entry in ClinVar:

ClinVar aggregate classification (germline): Pathogenic (1 of 4 stars; one submission).

Allele frequency attached by ClinVar (database versions not stated): TOPMed below 0.00001.

Submission:

Labcorp Genetics (formerly Invitae), Labcorp
Classification: Pathogenic. Last evaluated: 2024-03-07. Review status: criteria provided, single submitter. Criteria: Invitae Variant Classification Sherloc (09022015). Collection method: clinical testing. Allele origin: germline.
Comment: This sequence change creates a premature translational stop signal (p.Ile244Thrfs*33) in the ERCC3 gene. It is expected to result in an absent or disrupted protein product. Loss-of-function variants in ERCC3 are known to be pathogenic (PMID: 16947863). This variant is not present in population databases (gnomAD no frequency). This variant has not been reported in the literature in individuals affected with ERCC3-related conditions. ClinVar contains an entry for this variant (Variation ID: 2030008). For these reasons, this variant has been classified as Pathogenic.

Literature cited by the submitters: PubMed 16947863.

NM_000122.2(ERCC3):c.731del (p.Ile244fs)

Gene: ERCC3 (ERCC excision repair 3, TFIIH core complex helicase subunit; minus strand). Cytogenetic location: 2q14.3.
Variant type: Deletion.
Coding change: c.731del on transcript NM_000122.2 (MANE Select); coding-DNA position 731, one base deleted (T; older notation c.731delT).
Protein change: p.Ile244fs; shifts the reading frame from isoleucine 244.
Molecular consequence: frameshift variant.
Genome position (GRCh38, 1-based): chr2:127,289,428, A deleted on the plus strand (T on the coding strand, the reverse complement: ERCC3 is on the minus strand). VCF-style (leftmost placement, unchanged base first): chr2-127289427-GA-G. GRCh37 (hg19) VCF-style: chr2-128047003-GA-G.
Other names: c.539del, p.Ile180fs (NM_001303416.2, NM_001303418.2); short protein forms I180fs, I244fs.
Identifiers: ClinVar variation 2030008 (VCV002030008.4), dbSNP rs1685190008, ClinGen allele CA1286821234.